The following is an entry in ClinVar:

ClinVar aggregate classification (germline): Uncertain significance (1 of 4 stars; one submission).

Conditions:
Loeys-Dietz syndrome 4 (LDS4). Also called: ANEURYSM, AORTIC AND CEREBRAL, WITH ARTERIAL TORTUOSITY AND SKELETAL MANIFESTATIONS; TGFB2-Related Loeys-Dietz Syndrome. Identifiers: MedGen C3553762, MONDO:0013897, OMIM 614816.

Allele frequency attached by ClinVar (database versions not stated): gnomAD exomes below 0.00001.
gnomAD v4.1: 1 of 1,614,178 alleles (0.000062%); highest among the groups gnomAD compares: Non-Finnish European, 0.000085%; no homozygotes.

Submission:

Labcorp Genetics (formerly Invitae), Labcorp
Classification: Uncertain significance for Loeys-Dietz syndrome 4. Last evaluated: 2025-06-11. Review status: criteria provided, single submitter. Criteria: Invitae Variant Classification Sherloc (09022015). Collection method: clinical testing. Allele origin: germline.
Comment: This sequence change replaces serine, which is neutral and polar, with asparagine, which is neutral and polar, at codon 187 of the TGFB2 protein (p.Ser187Asn). This variant is not present in population databases (gnomAD no frequency). This variant has not been reported in the literature in individuals affected with TGFB2-related conditions. ClinVar contains an entry for this variant (Variation ID: 2956632). Invitae Evidence Modeling of protein sequence and biophysical properties (such as structural, functional, and spatial information, amino acid conservation, physicochemical variation, residue mobility, and thermodynamic stability) indicates that this missense variant is not expected to disrupt TGFB2 protein function with a negative predictive value of 80%. In summary, the available evidence is currently insufficient to determine the role of this variant in disease. Therefore, it has been classified as a Variant of Uncertain Significance.

NM_003238.6(TGFB2):c.560G>A (p.Ser187Asn)

Gene: TGFB2 (transforming growth factor beta 2; plus strand). Cytogenetic location: 1q41.
Variant type: single nucleotide variant.
Coding change: c.560G>A on transcript NM_003238.6 (MANE Select); coding-DNA position 560, G replaced by A.
Protein change: p.Ser187Asn; replaces serine 187 with asparagine.
Molecular consequence: missense variant. On other transcripts: non-coding transcript variant (2).
Genome position (GRCh38, 1-based): chr1:218,434,131, G>A. VCF-style: chr1-218434131-G-A. GRCh37 (hg19) VCF-style: chr1-218607473-G-A.
Other names: c.644G>A, p.Ser215Asn (NM_001135599.4); short protein forms S215N, S187N.
Identifiers: ClinVar variation 2956632 (VCV002956632.3), dbSNP rs2464864369, ClinGen allele CA344726521.